The following is an entry in ClinVar:

NM_004369.4(COL6A3):c.9444C>T (p.Asn3148=)

Genes: COL6A3 (collagen type VI alpha 3 chain; minus strand), LOC126806573 (CDK7 strongly-dependent group 2 enhancer GRCh37_chr2:238233151-238234350; plus strand). Cytogenetic location: 2q37.3.
Variant type: single nucleotide variant.
Coding change: c.9444C>T on transcript NM_004369.4 (MANE Select); coding-DNA position 9444, C replaced by T.
Protein change: p.Asn3148=; no amino-acid change (asparagine 3148 retained).
Molecular consequence: synonymous variant.
Genome position (GRCh38, 1-based): chr2:237,325,609, G>A on the plus strand (C>T on the coding strand, the complement: COL6A3 is on the minus strand). VCF-style: chr2-237325609-G-A. GRCh37 (hg19) VCF-style: chr2-238234252-G-A.
Other names: c.7623C>T, p.Asn2541= (NM_057166.5); c.8826C>T, p.Asn2942= (NM_057167.4).
Identifiers: ClinVar variation 287794 (VCV000287794.46), dbSNP rs144291325, ClinGen allele CA2187272.

ClinVar aggregate classification (germline): Conflicting classifications of pathogenicity. Review status: criteria provided, conflicting classifications (1 of 4 stars). 5 submissions from 5 submitters: Uncertain significance (1); Likely benign (4). Last evaluated 2026-04-23.

Conditions:
COL6A3-related disorder. Also called: COL6A3-related disorders; COL6A3-related condition.
Bethlem myopathy 1A. Also called: Bethlem myopathy 1; Bethlem Muscular Dystrophy; MYOPATHY, BENIGN CONGENITAL, WITH CONTRACTURES. Identifiers: Orphanet 610, MedGen CN029274, MONDO:0024530, OMIM 158810.

Allele frequency attached by ClinVar (database versions not stated): gnomAD exomes 0.00012 and 0.00032; ExAC 0.00013; TOPMed 0.00015; gnomAD 0.00019; ESP Exome Variant Server 0.00038.
gnomAD v4.1: 487 of 1,614,088 alleles (0.03%); highest among the groups gnomAD compares: Non-Finnish European, 0.038%; 1 homozygote.

Submissions (5):

PreventionGenetics, part of Exact Sciences
Classification: Likely benign for COL6A3-related condition. Last evaluated: 2026-04-23. Review status: criteria provided, single submitter. Criteria: ACMG Guidelines, 2015. Collection method: clinical testing. Allele origin: germline.
Comment: This variant is classified as likely benign based on ACMG/AMP sequence variant interpretation guidelines (Richards et al. 2015 PMID: 25741868, with internal and published modifications).

Labcorp Genetics (formerly Invitae), Labcorp
Classification: Likely benign for Bethlem myopathy 1A. Last evaluated: 2026-01-12. Review status: criteria provided, single submitter. Criteria: Invitae Variant Classification Sherloc (09022015). Collection method: clinical testing. Allele origin: germline.

CeGaT Center for Human Genetics Tuebingen
Classification: Likely benign. Last evaluated: 2024-05-01. Review status: criteria provided, single submitter. Criteria: CeGaT Center For Human Genetics Tuebingen Variant Classification Criteria Version 2. Collection method: clinical testing. Allele origin: germline. Affected: yes. Observed: 2 variant alleles.
Comment: COL6A3: BP4, BP7

GeneDx
Classification: Likely benign. Last evaluated: 2021-09-11. Review status: criteria provided, single submitter. Criteria: GeneDx Variant Classification Process June 2021. Collection method: clinical testing. Allele origin: germline. Affected: yes.

Eurofins Ntd Llc (ga)
Classification: Uncertain significance. Last evaluated: 2018-04-13. Review status: criteria provided, single submitter. Criteria: EGL ClinVar v180209 classification definitions. Collection method: clinical testing. Allele origin: germline. Observed: 5 variant alleles, 5 heterozygotes.